The following is an entry in ClinVar:

ClinVar aggregate classification (germline): Uncertain significance (1 of 4 stars; one submission).

Conditions:
Neuropathy, hereditary sensory and autonomic, type 2A (HSAN2A). Also called: ACROOSTEOLYSIS, GIACCAI TYPE; ACROOSTEOLYSIS, NEUROGENIC; WNK1-Related HSAN2 (HSAN2A); NEUROPATHY, HEREDITARY SENSORY RADICULAR, AUTOSOMAL RECESSIVE; MORVAN DISEASE; NEUROPATHY, CONGENITAL SENSORY. Identifiers: Orphanet 970, MedGen C2752089, MONDO:0024309, OMIM 201300.
Generalized epilepsy with febrile seizures plus, type 7 (GEFSP7). Also called: GEFS+, TYPE 7. Identifiers: Orphanet 36387, MedGen C2751778, MONDO:0013470, OMIM 613863.

gnomAD v4.1: 1 of 1,612,590 alleles (0.000062%); highest among the groups gnomAD compares: Non-Finnish European, 0.000085%; no homozygotes.

Submission:

Labcorp Genetics (formerly Invitae), Labcorp
Classification: Uncertain significance for Neuropathy, hereditary sensory and autonomic, type 2A; Generalized epilepsy with febrile seizures plus, type 7. Last evaluated: 2026-01-31. Review status: criteria provided, single submitter. Criteria: Invitae Variant Classification Sherloc (09022015). Collection method: clinical testing. Allele origin: germline.
Comment: This sequence change replaces glycine, which is neutral and non-polar, with arginine, which is basic and polar, at codon 161 of the SCN9A protein (p.Gly161Arg). This variant is not present in population databases (gnomAD no frequency). This variant has not been reported in the literature in individuals affected with SCN9A-related conditions. Invitae Evidence Modeling of protein sequence and biophysical properties (such as structural, functional, and spatial information, amino acid conservation, physicochemical variation, residue mobility, and thermodynamic stability) has been performed for this missense variant. However, the output from this modeling did not meet the statistical confidence thresholds required to predict the impact of this variant on SCN9A protein function. Algorithms developed to predict the effect of sequence changes on RNA splicing suggest that this variant may disrupt the consensus splice site. In summary, the available evidence is currently insufficient to determine the role of this variant in disease. Therefore, it has been classified as a Variant of Uncertain Significance.

NM_001365536.1(SCN9A):c.481G>A (p.Gly161Arg)

Gene: SCN9A (sodium voltage-gated channel alpha subunit 9; minus strand). Cytogenetic location: 2q24.3.
Variant type: single nucleotide variant.
Coding change: c.481G>A on transcript NM_001365536.1 (MANE Select); coding-DNA position 481, G replaced by A.
Protein change: p.Gly161Arg; replaces glycine 161 with arginine.
Molecular consequence: missense variant.
Genome position (GRCh38, 1-based): chr2:166,305,907, C>T on the plus strand (G>A on the coding strand, the complement: SCN9A is on the minus strand). VCF-style: chr2-166305907-C-T. GRCh37 (hg19) VCF-style: chr2-167162417-C-T.
Other names: c.481G>A, p.Gly161Arg (NM_002977.4); short protein forms G161R.
Identifiers: ClinVar variation 4783443 (VCV004783443.1).
Genomic context (GRCh38, chr2:166,305,907, plus strand): 5'-ATTCTCCTACACAGAAGCCTCTTGCAAGGATTTTTACAAGTGATTCAAAAGTATATATTC[C>T]AGTAAAAGTGTACCTAAACACAAGATTCCATTGGGATACTAGATGTGAAAAGAATACAAC-3'
Protein context (NP_001352465.1, residues 151-171): WTKNVEYTFT[Gly161Arg]IYTFESLVKI